The following is an entry in ClinVar:

ClinVar aggregate classification (germline): Likely pathogenic (1 of 4 stars; one submission).

Conditions:
Aicardi-Goutieres syndrome 4. Identifiers: Orphanet 51, MedGen C1835912, MONDO:0012472, OMIM 610333.

Allele frequency attached by ClinVar (database versions not stated): TOPMed below 0.00001.

Submission:

3billion
Classification: Likely pathogenic for Aicardi-Goutieres syndrome 4. Last evaluated: 2022-05-22. Review status: criteria provided, single submitter. Criteria: ACMG Guidelines, 2015. Collection method: clinical testing. Allele origin: germline. Affected: yes. Observed: 1 heterozygote.
Comment: The variant is not observed in the gnomAD v2.1.1 dataset. Frameshift: predicted to result in a loss or disruption of normal protein function through protein truncation. The predicted truncated protein may be shortened by more than 10%. The variant is in trans with the NM_006397.3:c.746C>T variant. Therefore, this variant is classified as likely pathogenic according to the recommendation of ACMG/AMP guideline.

NM_006397.3(RNASEH2A):c.717del (p.Thr240fs)

Gene: RNASEH2A (ribonuclease H2 subunit A; plus strand). Cytogenetic location: 19p13.13.
Variant type: Deletion.
Coding change: c.717del on transcript NM_006397.3 (MANE Select); coding-DNA position 717, one base deleted (C; older notation c.717delC).
Protein change: p.Thr240fs; shifts the reading frame from threonine 240.
Molecular consequence: frameshift variant.
Genome position (GRCh38, 1-based): chr19:12,813,162, C deleted. VCF-style (leftmost placement, unchanged base first): chr19-12813161-GC-G. GRCh37 (hg19) VCF-style: chr19-12923975-GC-G.
Other names: short protein forms T240fs.
Identifiers: ClinVar variation 1687209 (VCV001687209.1), dbSNP rs1403542725, ClinGen allele CA783395032.